The following is an entry in ClinVar:

NM_005228.5(EGFR):c.2061+6T>C

Gene: EGFR (epidermal growth factor receptor; plus strand). Cytogenetic location: 7p11.2.
Variant type: single nucleotide variant.
Coding change: c.2061+6T>C on transcript NM_005228.5 (MANE Select); 6 bases into the intron after coding-DNA position 2061, T replaced by C.
Molecular consequence: intron variant.
Genome position (GRCh38, 1-based): chr7:55,173,130, T>C. VCF-style: chr7-55173130-T-C. GRCh37 (hg19) VCF-style: chr7-55240823-T-C.
Other names: c.1926+6T>C (NM_001346899.2, NM_001346897.2); c.1260+6T>C (NM_001346941.2); c.2061+6T>C (NM_001346898.2); c.1902+6T>C (NM_001346900.2).
Identifiers: ClinVar variation 4717592 (VCV004717592.1).

ClinVar aggregate classification (germline): Uncertain significance (1 of 4 stars; one submission).

Conditions:
EGFR-related lung cancer (EGFR). Identifiers: MedGen CN130014.

Submission:

Labcorp Genetics (formerly Invitae), Labcorp
Classification: Uncertain significance for EGFR-related lung cancer. Last evaluated: 2025-04-17. Review status: criteria provided, single submitter. Criteria: Invitae Variant Classification Sherloc (09022015). Collection method: clinical testing. Allele origin: germline.
Comment: This sequence change falls in intron 17 of the EGFR gene. It does not directly change the encoded amino acid sequence of the EGFR protein. It affects a nucleotide within the consensus splice site. This variant is not present in population databases (gnomAD no frequency). This variant has not been reported in the literature in individuals affected with EGFR-related conditions. Variants that disrupt the consensus splice site are a relatively common cause of aberrant splicing (PMID: 17576681, 9536098). Algorithms developed to predict the effect of sequence changes on RNA splicing suggest that this variant is not likely to affect RNA splicing. In summary, the available evidence is currently insufficient to determine the role of this variant in disease. Therefore, it has been classified as a Variant of Uncertain Significance.

Literature cited by the submitters: PubMed 17576681; PubMed 9536098.